The following is an entry in ClinVar:

NM_001353108.3(CEP63):c.449G>A (p.Arg150His)

Gene: CEP63 (centrosomal protein 63; plus strand). Cytogenetic location: 3q22.2.
Variant type: single nucleotide variant.
Coding change: c.449G>A on transcript NM_001353108.3 (MANE Select); coding-DNA position 449, G replaced by A.
Protein change: p.Arg150His; replaces arginine 150 with histidine.
Molecular consequence: missense variant. On other transcripts: non-coding transcript variant (4).
Genome position (GRCh38, 1-based): chr3:134,537,162, G>A. VCF-style: chr3-134537162-G-A. GRCh37 (hg19) VCF-style: chr3-134256004-G-A.
Other names: c.449G>A, p.Arg150His (NM_001042383.2, NM_001042384.2, NM_001042400.3 and 13 more transcripts); c.476G>A, p.Arg159His (NM_001353118.1); c.365G>A, p.Arg122His (NM_001353125.2); c.86G>A, p.Arg29His (NM_001353126.2); short protein forms R122H, R159H, R150H, R29H.
Identifiers: ClinVar variation 2719545 (VCV002719545.2), dbSNP rs201316330, ClinGen allele CA2628378.

ClinVar aggregate classification (germline): Uncertain significance. Review status: criteria provided, multiple submitters, no conflicts (2 of 4 stars). 2 submissions from 2 submitters: Uncertain significance (2). Last evaluated 2024-10-03.

Allele frequency attached by ClinVar (database versions not stated): TOPMed 0.00015; gnomAD exomes 0.00021; ExAC 0.00025; gnomAD 0.00025.
gnomAD v4.1: 342 of 1,611,044 alleles (0.021%); highest among the groups gnomAD compares: Non-Finnish European, 0.018%; no homozygotes.

Submissions (2):

Blueprint Genetics
Classification: Uncertain significance. Last evaluated: 2024-10-03. Review status: criteria provided, single submitter. Criteria: ACMG Guidelines, 2015. Collection method: clinical testing. Allele origin: germline.

Labcorp Genetics (formerly Invitae), Labcorp
Classification: Uncertain significance. Last evaluated: 2023-07-17. Review status: criteria provided, single submitter. Criteria: Invitae Variant Classification Sherloc (09022015). Collection method: clinical testing. Allele origin: germline.
Comment: This sequence change replaces arginine, which is basic and polar, with histidine, which is basic and polar, at codon 150 of the CEP63 protein (p.Arg150His). This variant is present in population databases (rs201316330, gnomAD 0.2%). This missense change has been observed in individual(s) with CEP63-related conditions (PMID: 31785789). Advanced modeling of protein sequence and biophysical properties (such as structural, functional, and spatial information, amino acid conservation, physicochemical variation, residue mobility, and thermodynamic stability) performed at Invitae indicates that this missense variant is not expected to disrupt CEP63 protein function. In summary, the available evidence is currently insufficient to determine the role of this variant in disease. Therefore, it has been classified as a Variant of Uncertain Significance.

Literature cited by the submitters: PubMed 31785789 (cited by Labcorp Genetics (formerly Invitae), Labcorp).